The following is an entry in ClinVar:

NM_001042492.3(NF1):c.2802dup (p.Asn935Ter)

Gene: NF1 (neurofibromin 1; plus strand). Cytogenetic location: 17q11.2.
Variant type: Duplication.
Coding change: c.2802dup on transcript NM_001042492.3 (MANE Select); coding-DNA position 2802, one base duplicated (T; older notation c.2802dupT).
Protein change: p.Asn935Ter; replaces asparagine 935 with a stop codon.
Molecular consequence: nonsense. On other transcripts: frameshift variant (1).
Genome position (GRCh38, 1-based): chr17:31,229,417, T duplicated; the last of 3 consecutive T bases (chr17:31,229,415-31,229,417); duplicating any one gives the same sequence. VCF-style (leftmost placement, unchanged base first): chr17-31229414-A-AT. GRCh37 (hg19) VCF-style: chr17-29556432-A-AT.
Other names: c.2802dup, p.Asn935Terfs (NM_000267.4); short protein forms N935*.
Identifiers: ClinVar variation 1440994 (VCV001440994.6), dbSNP rs1555614343, ClinGen allele CA2573153317.

ClinVar aggregate classification (germline): Pathogenic (1 of 4 stars; one submission).

Conditions:
Neurofibromatosis, type 1 (NF1). Also called: Peripheral type neurofibromatosis; VON RECKLINGHAUSEN DISEASE; NEUROFIBROMATOSIS, TYPE I, SOMATIC; Neurofibromatosis, type I. Identifiers: Orphanet 636, MedGen C0027831, MONDO:0018975, OMIM 162200. Disease mechanism: loss of function.

Submission:

Labcorp Genetics (formerly Invitae), Labcorp
Classification: Pathogenic for Neurofibromatosis, type 1. Last evaluated: 2025-02-04. Review status: criteria provided, single submitter. Criteria: Invitae Variant Classification Sherloc (09022015). Collection method: clinical testing. Allele origin: germline.
Comment: This sequence change creates a premature translational stop signal (p.Asn935*) in the NF1 gene. It is expected to result in an absent or disrupted protein product. Loss-of-function variants in NF1 are known to be pathogenic (PMID: 10712197, 23913538). This variant is not present in population databases (gnomAD no frequency). This variant has not been reported in the literature in individuals affected with NF1-related conditions. ClinVar contains an entry for this variant (Variation ID: 1440994). Algorithms developed to predict the effect of sequence changes on RNA splicing suggest that this variant may disrupt the consensus splice site. For these reasons, this variant has been classified as Pathogenic.

Literature cited by the submitters: PubMed 10712197; PubMed 23913538.